The following is an entry in ClinVar:

ClinVar aggregate classification (germline): Likely benign (0 of 4 stars; one submission).

Conditions:
PLXNA4-related disorder. Also called: PLXNA4-related condition.

gnomAD v4.1: 16 of 1,578,440 alleles (0.001%); highest among the groups gnomAD compares: East Asian, 0.0023%; no homozygotes.

Submission:

PreventionGenetics, part of Exact Sciences
Classification: Likely benign for PLXNA4-related condition. Last evaluated: 2021-06-24. Review status: no assertion criteria provided. Collection method: clinical testing. Allele origin: germline.
Comment: This variant is classified as likely benign based on ACMG/AMP sequence variant interpretation guidelines (Richards et al. 2015 PMID: 25741868, with internal and published modifications).

NM_020911.2(PLXNA4):c.4023G>A (p.Pro1341=)

Gene: PLXNA4 (plexin A4; minus strand). Cytogenetic location: 7q32.3.
Variant type: single nucleotide variant.
Coding change: c.4023G>A on transcript NM_020911.2 (MANE Select); coding-DNA position 4023, G replaced by A.
Protein change: p.Pro1341=; no amino-acid change (proline 1341 retained).
Molecular consequence: synonymous variant.
Genome position (GRCh38, 1-based): chr7:132,168,567, C>T on the plus strand (G>A on the coding strand, the complement: PLXNA4 is on the minus strand). VCF-style: chr7-132168567-C-T. GRCh37 (hg19) VCF-style: chr7-131853326-C-T.
Other names: c.4023G>A, p.Pro1341= (NM_001393897.1).
Identifiers: ClinVar variation 3352032 (VCV003352032.1).